The following is an entry in ClinVar:

NM_002691.4(POLD1):c.760T>G (p.Phe254Val)

Gene: POLD1 (DNA polymerase delta 1, catalytic subunit; plus strand). Cytogenetic location: 19q13.33.
Variant type: single nucleotide variant.
Coding change: c.760T>G on transcript NM_002691.4 (MANE Select); coding-DNA position 760, T replaced by G.
Protein change: p.Phe254Val; replaces phenylalanine 254 with valine.
Molecular consequence: missense variant. On other transcripts: non-coding transcript variant (1).
Genome position (GRCh38, 1-based): chr19:50,402,455, T>G. VCF-style: chr19-50402455-T-G. GRCh37 (hg19) VCF-style: chr19-50905712-T-G.
Other names: c.760T>G, p.Phe254Val (NM_001256849.1, NM_001308632.1); short protein forms F254V.
Identifiers: ClinVar variation 3308279 (VCV003308279.1).
Genomic context (GRCh38, chr19:50,402,455, plus strand): 5'-TCCGGCCTCTATCCCCACCCTCGGGCAGCCCCTGTCCACTGACCCCCAGCCCCCTCCAGG[T>G]TCATGGTGGACACGGACATCGTCGGCTGCAACTGGCTGGAGCTCCCAGCTGGGAAATACG-3'
Protein context (NP_002682.2, residues 244-264): YEANVDFEIR[Phe254Val]MVDTDIVGCN

ClinVar aggregate classification (germline): Uncertain significance (1 of 4 stars; one submission).

Conditions:
Hereditary cancer-predisposing syndrome. Also called: Tumor predisposition; Hereditary Cancer Syndrome; Hereditary neoplastic syndrome; Neoplastic Syndromes, Hereditary. Identifiers: Orphanet 140162, MedGen C0027672, MeSH D009386, MONDO:0015356.

Submission:

Ambry Genetics
Classification: Uncertain significance for Hereditary cancer-predisposing syndrome. Last evaluated: 2024-03-24. Review status: criteria provided, single submitter. Criteria: Ambry Variant Classification Scheme 2023. Collection method: clinical testing. Allele origin: germline.
Comment: The p.F254V variant (also known as c.760T>G), located in coding exon 6 of the POLD1 gene, results from a T to G substitution at nucleotide position 760. The phenylalanine at codon 254 is replaced by valine, an amino acid with highly similar properties. This amino acid position is conserved. In addition, the in silico prediction for this alteration is inconclusive. Based on the available evidence, the clinical significance of this alteration remains unclear.